The following is an entry in ClinVar:

NM_015570.4(AUTS2):c.329C>T (p.Pro110Leu)

Gene: AUTS2 (activator of transcription and developmental regulator AUTS2; plus strand). Cytogenetic location: 7q11.22.
Variant type: single nucleotide variant.
Coding change: c.329C>T on transcript NM_015570.4 (MANE Select); coding-DNA position 329, C replaced by T.
Protein change: p.Pro110Leu; replaces proline 110 with leucine.
Molecular consequence: missense variant.
Genome position (GRCh38, 1-based): chr7:69,899,305, C>T. VCF-style: chr7-69899305-C-T. GRCh37 (hg19) VCF-style: chr7-69364291-C-T.
Other names: c.329C>T, p.Pro110Leu (NM_001127231.3, NM_001127232.3); short protein forms P110L.
Identifiers: ClinVar variation 3903106 (VCV003903106.1).
Genomic context (GRCh38, chr7:69,899,305, plus strand): 5'-TTGTAACCACCACTTCCCTTTCCTTCTCTTCTTTTCTACAGAAAGATGTAGCACTTAAGC[C>T]TCAGGAACGTGTGGAGAAACGCCAGACGCCCCTGACCAAGAAGAAACGAGAAGCACTTAC-3'
Protein context (NP_056385.1, residues 100-120): EALEKDVALK[Pro110Leu]QERVEKRQTP

ClinVar aggregate classification (germline): Uncertain significance (1 of 4 stars; one submission).

gnomAD v4.1: 1 of 1,613,450 alleles (0.000062%); highest among the groups gnomAD compares: Non-Finnish European, 0.000085%; no homozygotes.

Submission:

GeneDx
Classification: Uncertain significance. Last evaluated: 2024-12-14. Review status: criteria provided, single submitter. Criteria: GeneDx Variant Classification Process June 2021. Collection method: clinical testing. Allele origin: germline. Affected: yes.
Comment: Not observed at significant frequency in large population cohorts (gnomAD); In silico analysis supports that this missense variant has a deleterious effect on protein structure/function; Has not been previously published as pathogenic or benign to our knowledge